The following is an entry in ClinVar:

NM_001735.3(C5):c.1279G>A (p.Gly427Arg)

Gene: C5 (complement C5; minus strand). Cytogenetic location: 9q33.2.
Variant type: single nucleotide variant.
Coding change: c.1279G>A on transcript NM_001735.3 (MANE Select); coding-DNA position 1279, G replaced by A.
Protein change: p.Gly427Arg; replaces glycine 427 with arginine.
Molecular consequence: missense variant.
Genome position (GRCh38, 1-based): chr9:121,021,532, C>T on the plus strand (G>A on the coding strand, the complement: C5 is on the minus strand). VCF-style: chr9-121021532-C-T. GRCh37 (hg19) VCF-style: chr9-123783810-C-T.
Other names: c.1297G>A, p.Gly433Arg (NM_001317163.2); c.1279G>A, p.Gly427Arg (NM_001317164.2); short protein forms G427R, G433R.
Identifiers: ClinVar variation 1388010 (VCV001388010.7), dbSNP rs769940933, ClinGen allele CA5218128.

ClinVar aggregate classification (germline): Uncertain significance (1 of 4 stars; one submission).

Allele frequency attached by ClinVar (database versions not stated): gnomAD exomes below 0.00001; ExAC 0.00001.
gnomAD v4.1: 2 of 1,613,748 alleles (0.00012%); highest among the groups gnomAD compares: Non-Finnish European, 0.000085%; no homozygotes.

Submission:

Labcorp Genetics (formerly Invitae), Labcorp
Classification: Uncertain significance. Last evaluated: 2021-04-16. Review status: criteria provided, single submitter. Criteria: Invitae Variant Classification Sherloc (09022015). Collection method: clinical testing. Allele origin: germline.
Comment: In summary, the available evidence is currently insufficient to determine the role of this variant in disease. Therefore, it has been classified as a Variant of Uncertain Significance. Algorithms developed to predict the effect of sequence changes on RNA splicing suggest that this variant may create or strengthen a splice site, but this prediction has not been confirmed by published transcriptional studies. Algorithms developed to predict the effect of missense changes on protein structure and function (SIFT, PolyPhen-2, Align-GVGD) all suggest that this variant is likely to be tolerated, but these predictions have not been confirmed by published functional studies and their clinical significance is uncertain. This variant has not been reported in the literature in individuals with C5-related conditions. This variant is present in population databases (rs769940933, ExAC 0.001%). This sequence change replaces glycine with arginine at codon 427 of the C5 protein (p.Gly427Arg). The glycine residue is weakly conserved and there is a moderate physicochemical difference between glycine and arginine.